The following is an entry in ClinVar:

ClinVar aggregate classification (germline): Likely benign (0 of 4 stars; one submission).

Conditions:
CA5A-related disorder. Also called: CA5A-related condition.

gnomAD v4.1: 1 of 1,612,156 alleles (0.000062%); no homozygotes.

Submission:

PreventionGenetics, part of Exact Sciences
Classification: Likely benign for CA5A-related condition. Last evaluated: 2019-05-10. Review status: no assertion criteria provided. Collection method: clinical testing. Allele origin: germline.
Comment: This variant is classified as likely benign based on ACMG/AMP sequence variant interpretation guidelines (Richards et al. 2015 PMID: 25741868, with internal and published modifications).

NM_001739.2(CA5A):c.618+7T>G

Gene: CA5A (carbonic anhydrase 5A; minus strand). Cytogenetic location: 16q24.2.
Variant type: single nucleotide variant.
Coding change: c.618+7T>G on transcript NM_001739.2 (MANE Select); 7 bases into the intron after coding-DNA position 618, T replaced by G.
Molecular consequence: intron variant.
Genome position (GRCh38, 1-based): chr16:87,901,905, A>C on the plus strand (T>G on the coding strand, the complement: CA5A is on the minus strand). VCF-style: chr16-87901905-A-C. GRCh37 (hg19) VCF-style: chr16-87935511-A-C.
Other names: c.618+7T>G (NM_001367225.1).
Identifiers: ClinVar variation 3042135 (VCV003042135.2), dbSNP rs2508482878, ClinGen allele CA2634806459.